The following is an entry in ClinVar:

ClinVar aggregate classification (germline): Uncertain significance (1 of 4 stars; one submission).

Conditions:
Neuroblastoma, susceptibility to, 3. Also called: ALK-Related Neuroblastic Tumor Susceptibility. Identifiers: Orphanet 635, MedGen C2751681, MONDO:0013083, OMIM 613014.

Submission:

Labcorp Genetics (formerly Invitae), Labcorp
Classification: Uncertain significance for Neuroblastoma, susceptibility to, 3. Last evaluated: 2023-06-23. Review status: criteria provided, single submitter. Criteria: Invitae Variant Classification Sherloc (09022015). Collection method: clinical testing. Allele origin: germline.
Comment: This sequence change affects codon 1248 of the ALK mRNA. It is a 'silent' change, meaning that it does not change the encoded amino acid sequence of the ALK protein. It affects a nucleotide within the consensus splice site. This variant is not present in population databases (gnomAD no frequency). This variant has not been reported in the literature in individuals affected with ALK-related conditions. Algorithms developed to predict the effect of sequence changes on RNA splicing suggest that this variant may disrupt the consensus splice site. In summary, the available evidence is currently insufficient to determine the role of this variant in disease. Therefore, it has been classified as a Variant of Uncertain Significance.

NM_004304.5(ALK):c.3744A>C (p.Arg1248=)

Gene: ALK (ALK receptor tyrosine kinase; minus strand). Cytogenetic location: 2p23.2.
Variant type: single nucleotide variant.
Coding change: c.3744A>C on transcript NM_004304.5 (MANE Select); coding-DNA position 3744, A replaced by C.
Protein change: p.Arg1248=; no amino-acid change (arginine 1248 retained).
Molecular consequence: synonymous variant.
Genome position (GRCh38, 1-based): chr2:29,209,878, T>G on the plus strand (A>C on the coding strand, the complement: ALK is on the minus strand). VCF-style: chr2-29209878-T-G. GRCh37 (hg19) VCF-style: chr2-29432744-T-G.
Other names: c.540A>C, p.Arg180= (NM_001353765.2).
Identifiers: ClinVar variation 2725004 (VCV002725004.3), dbSNP rs2148155395, ClinGen allele CA425434717.